The following is an entry in ClinVar:

NM_012335.4(MYO1F):c.2159-5C>T

Gene: MYO1F (myosin IF; minus strand). Cytogenetic location: 19p13.2.
Variant type: single nucleotide variant.
Coding change: c.2159-5C>T on transcript NM_012335.4 (MANE Select); 5 bases into the intron before coding-DNA position 2159, C replaced by T.
Molecular consequence: intron variant.
Genome position (GRCh38, 1-based): chr19:8,530,370, G>A on the plus strand (C>T on the coding strand, the complement: MYO1F is on the minus strand). VCF-style: chr19-8530370-G-A. GRCh37 (hg19) VCF-style: chr19-8595254-G-A.
Other names: c.2147-5C>T (NM_001348355.2).
Identifiers: ClinVar variation 509520 (VCV000509520.6), dbSNP rs3213834, ClinGen allele CA9158958.

ClinVar aggregate classification (germline): Benign. Review status: criteria provided, multiple submitters, no conflicts (2 of 4 stars). 3 submissions from 3 submitters: Benign (3). Last evaluated 2019-12-31.

Allele frequency attached by ClinVar (database versions not stated): ESP Exome Variant Server 0.00008; gnomAD 0.00190 and 0.00274; TOPMed 0.00325; 1000 Genomes Project 30x 0.01156; 1000 Genomes Project 0.01258.
gnomAD v4.1: 3,752 of 1,614,040 alleles (0.23%); highest among the groups gnomAD compares: East Asian, 6.8%; 116 homozygotes.

Submissions (3):

Labcorp Genetics (formerly Invitae), Labcorp
Classification: Benign. Last evaluated: 2019-12-31. Review status: criteria provided, single submitter. Criteria: Invitae Variant Classification Sherloc (09022015). Collection method: clinical testing. Allele origin: germline.

GeneDx
Classification: Benign. Last evaluated: 2017-05-09. Review status: criteria provided, single submitter. Criteria: GeneDx Variant Classification (06012015). Collection method: clinical testing. Allele origin: germline. Affected: yes.
Comment: This variant is considered likely benign or benign based on one or more of the following criteria: it is a conservative change, it occurs at a poorly conserved position in the protein, it is predicted to be benign by multiple in silico algorithms, and/or has population frequency not consistent with disease.

Breakthrough Genomics
Classification: Benign. Review status: criteria provided, single submitter. Criteria: ACMG Guidelines, 2015. Collection method: not provided. Allele origin: germline. Inheritance: Unknown mechanism. Affected: yes.